The following is an entry in ClinVar:

ClinVar aggregate classification (germline): Uncertain significance. Review status: criteria provided, multiple submitters, no conflicts (2 of 4 stars). 3 submissions from 3 submitters: Uncertain significance (3). Last evaluated 2025-10-30.

Conditions:
Inborn genetic diseases. Identifiers: MedGen C0950123, MeSH D030342.

Allele frequency attached by ClinVar (database versions not stated): gnomAD 0.00003.
gnomAD v4.1: 11 of 1,318,568 alleles (0.00083%); highest among the groups gnomAD compares: African/African-American, 0.014%; no homozygotes.

Submissions (3):

Ambry Genetics
Classification: Uncertain significance for Inborn genetic diseases. Last evaluated: 2025-10-30. Review status: criteria provided, single submitter. Criteria: Ambry Variant Classification Scheme 2023. Collection method: clinical testing. Allele origin: germline.

Labcorp Genetics (formerly Invitae), Labcorp
Classification: Uncertain significance. Last evaluated: 2024-05-18. Review status: criteria provided, single submitter. Criteria: Invitae Variant Classification Sherloc (09022015). Collection method: clinical testing. Allele origin: germline.
Comment: This sequence change replaces proline, which is neutral and non-polar, with threonine, which is neutral and polar, at codon 38 of the TTC19 protein (p.Pro38Thr). This variant is not present in population databases (gnomAD no frequency). This variant has not been reported in the literature in individuals affected with TTC19-related conditions. ClinVar contains an entry for this variant (Variation ID: 1059427). Algorithms developed to predict the effect of missense changes on protein structure and function output the following: SIFT: "Not Available"; PolyPhen-2: "Not Available"; Align-GVGD: "Not Available". The threonine amino acid residue is found in multiple mammalian species, which suggests that this missense change does not adversely affect protein function. In summary, the available evidence is currently insufficient to determine the role of this variant in disease. Therefore, it has been classified as a Variant of Uncertain Significance.

GeneDx
Classification: Uncertain significance. Last evaluated: 2022-02-09. Review status: criteria provided, single submitter. Criteria: GeneDx Variant Classification Process June 2021. Collection method: clinical testing. Allele origin: germline. Affected: yes.
Comment: In silico analysis supports that this missense variant does not alter protein structure/function; Has not been previously published as pathogenic or benign to our knowledge

NM_017775.4(TTC19):c.112C>A (p.Pro38Thr)

Genes: TTC19 (tetratricopeptide repeat domain 19; plus strand), LOC130060311 (ATAC-STARR-seq lymphoblastoid silent region 8214; plus strand). Cytogenetic location: 17p12.
Variant type: single nucleotide variant.
Coding change: c.112C>A on transcript NM_017775.4 (MANE Select); coding-DNA position 112, C replaced by A.
Protein change: p.Pro38Thr; replaces proline 38 with threonine.
Molecular consequence: missense variant. On other transcripts: 5 prime UTR variant (1).
Genome position (GRCh38, 1-based): chr17:15,999,960, C>A. VCF-style: chr17-15999960-C-A. GRCh37 (hg19) VCF-style: chr17-15903274-C-A.
Other names: c.475C>A (NM_017775.2); c.-347C>A (NM_001271420.2); short protein forms P38T.
Identifiers: ClinVar variation 1059427 (VCV001059427.7), dbSNP rs962066178, ClinGen allele CA288187841.
Genomic context (GRCh38, chr17:15,999,960, plus strand): 5'-GGGCGGCGGTGCCGGGGCTGCTCCGCGCGCCTGCTCCCGGGGCTGGCAGGAGGTCCGGGG[C>A]CCGAGGTGCAGGTGCCGCCATCCCGAGTCGCGCCGCACGGCCGGGGCCCAGGCCTGCTGC-3'
Protein context (NP_060245.3, residues 28-48): LLPGLAGGPG[Pro38Thr]EVQVPPSRVA